The following is an entry in ClinVar:

ClinVar aggregate classification (germline): Uncertain significance. Review status: criteria provided, multiple submitters, no conflicts (2 of 4 stars). 2 submissions from 2 submitters: Uncertain significance (2). Last evaluated 2024-03-13.

gnomAD v4.1: 1 of 1,401,248 alleles (0.000071%); highest among the groups gnomAD compares: Admixed American, 0.0019%; no homozygotes.

Submissions (2):

GeneDx
Classification: Uncertain significance. Last evaluated: 2024-03-13. Review status: criteria provided, single submitter. Criteria: GeneDx Variant Classification Process June 2021. Collection method: clinical testing. Allele origin: germline. Affected: yes.
Comment: Not observed at significant frequency in large population cohorts (gnomAD); In silico analysis supports that this missense variant does not alter protein structure/function; Has not been previously published as pathogenic or benign to our knowledge

Labcorp Genetics (formerly Invitae), Labcorp
Classification: Uncertain significance. Last evaluated: 2023-04-30. Review status: criteria provided, single submitter. Criteria: Invitae Variant Classification Sherloc (09022015). Collection method: clinical testing. Allele origin: germline.
Comment: In summary, the available evidence is currently insufficient to determine the role of this variant in disease. Therefore, it has been classified as a Variant of Uncertain Significance. Advanced modeling of protein sequence and biophysical properties (such as structural, functional, and spatial information, amino acid conservation, physicochemical variation, residue mobility, and thermodynamic stability) has been performed at Invitae for this missense variant, however the output from this modeling did not meet the statistical confidence thresholds required to predict the impact of this variant on ADCY5 protein function. This variant has not been reported in the literature in individuals affected with ADCY5-related conditions. This variant is present in population databases (no rsID available, gnomAD 0.003%). This sequence change replaces isoleucine, which is neutral and non-polar, with methionine, which is neutral and non-polar, at codon 827 of the ADCY5 protein (p.Ile827Met).

NM_183357.3(ADCY5):c.2481C>G (p.Ile827Met)

Gene: ADCY5 (adenylate cyclase 5; minus strand). Cytogenetic location: 3q21.1.
Variant type: single nucleotide variant.
Coding change: c.2481C>G on transcript NM_183357.3 (MANE Select); coding-DNA position 2481, C replaced by G.
Protein change: p.Ile827Met; replaces isoleucine 827 with methionine.
Molecular consequence: missense variant.
Genome position (GRCh38, 1-based): chr3:123,304,145, G>C on the plus strand (C>G on the coding strand, the complement: ADCY5 is on the minus strand). VCF-style: chr3-123304145-G-C. GRCh37 (hg19) VCF-style: chr3-123022992-G-C.
Other names: c.1431C>G, p.Ile477Met (NM_001199642.1); c.2481C>G, p.Ile827Met (NM_001378259.1); c.2481C>G (NM_183357.2); short protein forms I477M, I827M.
Identifiers: ClinVar variation 2804168 (VCV002804168.4), dbSNP rs75494273, ClinGen allele CA354225468.